The following is an entry in ClinVar:

NM_000535.7(PMS2):c.1041G>A (p.Glu347=)

Gene: PMS2 (PMS1 homolog 2, mismatch repair system component; minus strand). Cytogenetic location: 7p22.1.
Variant type: single nucleotide variant.
Coding change: c.1041G>A on transcript NM_000535.7 (MANE Select); coding-DNA position 1041, G replaced by A.
Protein change: p.Glu347=; no amino-acid change (glutamic acid 347 retained).
Molecular consequence: synonymous variant. On other transcripts: non-coding transcript variant (1), intron variant (2).
Genome position (GRCh38, 1-based): chr7:5,989,903, C>T on the plus strand (G>A on the coding strand, the complement: PMS2 is on the minus strand). VCF-style: chr7-5989903-C-T. GRCh37 (hg19) VCF-style: chr7-6029534-C-T.
Other names: c.636G>A, p.Glu212= (NM_001322003.2, NM_001322004.2, NM_001322005.2 and 1 more transcripts); c.723G>A, p.Glu241= (NM_001322007.2, NM_001322008.2); c.108G>A, p.Glu36= (NM_001322011.2, NM_001322012.2); c.468G>A, p.Glu156= (NM_001322013.2); c.1041G>A, p.Glu347= (NM_001322014.2); c.732G>A, p.Glu244= (NM_001322015.2); c.583+2070G>A (NM_001322010.2); c.988+2070G>A (NM_001322006.2).
Identifiers: ClinVar variation 231908 (VCV000231908.36), dbSNP rs150515238, ClinGen allele CA041660.
Genomic context (GRCh38, chr7:5,989,903, plus strand): 5'-GACATCACTATCAAACATTCCTATCAAAGAGGTCTTTAAAACTGCCAACAAAAGCTTTTC[C>T]TCTTGTAGCAAAATTTGCCTTTTATCTGGAGTAACATTGATATCAACGCATTCTAAGGCA-3'
Protein context (NP_000526.2, residues 337-357): TPDKRQILLQ[Glu347=]EKLLLAVLKT

ClinVar aggregate classification (germline): Benign/Likely benign. Review status: criteria provided, multiple submitters, no conflicts (2 of 4 stars). 11 submissions from 11 submitters: Benign (2); Likely benign (8). 1 of the submissions does not count toward it. Last evaluated 2026-01-09.

Conditions:
PMS2-related disorder. Also called: PMS2-related condition.
Hereditary nonpolyposis colorectal neoplasms. Identifiers: MedGen C0009405, MeSH D003123.
Hereditary cancer-predisposing syndrome. Also called: Neoplastic Syndromes, Hereditary; Hereditary Cancer Syndrome; Tumor predisposition; Hereditary neoplastic syndrome. Identifiers: Orphanet 140162, MedGen C0027672, MeSH D009386, MONDO:0015356.
Lynch syndrome. Identifiers: Orphanet 144, MedGen C4552100, MONDO:0005835. Disease mechanism: loss of function.
Lynch syndrome 4 (LYNCH4). Also called: Colorectal cancer, hereditary nonpolyposis, type 4; Hereditary non-polyposis colorectal cancer, type 4. Identifiers: Orphanet 144, MedGen C1838333, MONDO:0013699, OMIM 614337. Disease mechanism: loss of function.

Allele frequency attached by ClinVar (database versions not stated): TOPMed 0.00002; gnomAD 0.00003; ESP Exome Variant Server 0.00015.

Submissions (11):

Labcorp Genetics (formerly Invitae), Labcorp
Classification: Benign for Hereditary nonpolyposis colorectal neoplasms. Last evaluated: 2026-01-09. Review status: criteria provided, single submitter. Criteria: Invitae Variant Classification Sherloc (09022015). Collection method: clinical testing. Allele origin: germline.

CeGaT Center for Human Genetics Tuebingen
Classification: Likely benign. Last evaluated: 2025-07-01. Review status: criteria provided, single submitter. Criteria: CeGaT Center For Human Genetics Tuebingen Variant Classification Criteria Version 2. Collection method: clinical testing. Allele origin: germline. Affected: yes. Observed: 1 variant allele.
Comment: PMS2: BP4, BP7

Quest Diagnostics Nichols Institute San Juan Capistrano
Classification: Likely benign. Last evaluated: 2025-05-19. Review status: criteria provided, single submitter. Criteria: Quest Diagnostics criteria. Collection method: clinical testing. Allele origin: unknown.

Myriad Genetics, Inc.
Classification: Benign for Lynch syndrome 4. Last evaluated: 2025-01-29. Review status: criteria provided, single submitter. Criteria: Myriad Autosomal Dominant, Autosomal Recessive and X-Linked Classification Criteria (2023). Collection method: clinical testing. Allele origin: unknown.
Comment: This variant is considered benign. This variant is a silent/synonymous amino acid change and it is not expected to impact splicing.

All of Us Research Program, National Institutes of Health
Classification: Likely benign for Lynch syndrome. Last evaluated: 2023-08-15. Review status: criteria provided, single submitter. Criteria: ACMG Guidelines, 2015. Collection method: clinical testing. Allele origin: germline. Inheritance: Autosomal dominant inheritance. Observed: 2 variant alleles, 2 heterozygotes.
Comment: This study involves interpretation of variants in research participants for the purpose of population health screening. Participant phenotype was not available at the time of variant classification. Additional details can be found in publication PMID: 35346344, PMCID: PMC8962531

Women's Health and Genetics/Laboratory Corporation of America, LabCorp
Classification: Likely benign. Last evaluated: 2022-02-05. Review status: criteria provided, single submitter. Criteria: LabCorp Variant Classification Summary - May 2015. Collection method: clinical testing. Allele origin: germline.

GeneDx
Classification: Likely benign. Last evaluated: 2017-12-26. Review status: criteria provided, single submitter. Criteria: GeneDx Variant Classification (06012015). Collection method: clinical testing. Allele origin: germline. Affected: yes.
Comment: This variant is considered likely benign or benign based on one or more of the following criteria: it is a conservative change, it occurs at a poorly conserved position in the protein, it is predicted to be benign by multiple in silico algorithms, and/or has population frequency not consistent with disease.

Color Diagnostics, LLC DBA Color Health
Classification: Likely benign for Hereditary cancer-predisposing syndrome. Last evaluated: 2016-10-11. Review status: criteria provided, single submitter. Criteria: ACMG Guidelines, 2015. Collection method: clinical testing. Allele origin: germline.

Genetic Services Laboratory, University of Chicago
Classification: Likely benign. Last evaluated: 2016-08-22. Review status: criteria provided, single submitter. Criteria: ACMG Guidelines, 2015. Collection method: clinical testing. Allele origin: germline. Affected: no.

Ambry Genetics
Classification: Likely benign for Hereditary cancer-predisposing syndrome. Last evaluated: 2015-05-14. Review status: criteria provided, single submitter. Criteria: Ambry Variant Classification Scheme 2023. Collection method: clinical testing. Allele origin: germline.

PreventionGenetics, part of Exact Sciences
Classification: Likely benign for PMS2-related condition. Last evaluated: 2023-10-13. Review status: no assertion criteria provided. Collection method: clinical testing. Allele origin: germline. Not counted in ClinVar's aggregate classification.
Comment: This variant is classified as likely benign based on ACMG/AMP sequence variant interpretation guidelines (Richards et al. 2015 PMID: 25741868, with internal and published modifications).

Literature cited by the submitters: PubMed 35449176 (cited by Quest Diagnostics Nichols Institute San Juan Capistrano).